The following is an entry in ClinVar:

NM_003235.5(TG):c.3214C>T (p.Gln1072Ter)

Gene: TG (thyroglobulin; plus strand). Cytogenetic location: 8q24.22.
Variant type: single nucleotide variant.
Coding change: c.3214C>T on transcript NM_003235.5 (MANE Select); coding-DNA position 3214, C replaced by T.
Protein change: p.Gln1072Ter; replaces glutamine 1072 with a stop codon.
Molecular consequence: nonsense.
Genome position (GRCh38, 1-based): chr8:132,898,243, C>T. VCF-style: chr8-132898243-C-T. GRCh37 (hg19) VCF-style: chr8-133910488-C-T.
Other names: short protein forms Q1072*.
Identifiers: ClinVar variation 2841488 (VCV002841488.3), dbSNP rs1817405711, ClinGen allele CA372240870.

ClinVar aggregate classification (germline): Pathogenic (1 of 4 stars; one submission).

Allele frequency attached by ClinVar (database versions not stated): TOPMed 0.00001.

Submission:

Labcorp Genetics (formerly Invitae), Labcorp
Classification: Pathogenic. Last evaluated: 2023-02-28. Review status: criteria provided, single submitter. Criteria: Invitae Variant Classification Sherloc (09022015). Collection method: clinical testing. Allele origin: germline.
Comment: This sequence change creates a premature translational stop signal (p.Gln1072*) in the TG gene. It is expected to result in an absent or disrupted protein product. Loss-of-function variants in TG are known to be pathogenic (PMID: 19837936, 23164529). This variant is not present in population databases (gnomAD no frequency). This variant has not been reported in the literature in individuals affected with TG-related conditions. For these reasons, this variant has been classified as Pathogenic.

Literature cited by the submitters: PubMed 19837936; PubMed 23164529.